The following is an entry in ClinVar:

ClinVar aggregate classification (germline): Uncertain significance (1 of 4 stars; one submission).

Allele frequency attached by ClinVar (database versions not stated): TOPMed 0.00001.
gnomAD v4.1: 6 of 1,551,288 alleles (0.00039%); highest among the groups gnomAD compares: Middle Eastern, 0.017%; no homozygotes.

Submission:

Labcorp Genetics (formerly Invitae), Labcorp
Classification: Uncertain significance. Last evaluated: 2022-08-01. Review status: criteria provided, single submitter. Criteria: Invitae Variant Classification Sherloc (09022015). Collection method: clinical testing. Allele origin: germline.
Comment: This sequence change replaces aspartic acid, which is acidic and polar, with valine, which is neutral and non-polar, at codon 423 of the KPNA7 protein (p.Asp423Val). This variant is not present in population databases (gnomAD no frequency). In summary, the available evidence is currently insufficient to determine the role of this variant in disease. Therefore, it has been classified as a Variant of Uncertain Significance. Algorithms developed to predict the effect of missense changes on protein structure and function (SIFT, PolyPhen-2, Align-GVGD) all suggest that this variant is likely to be disruptive. This variant has not been reported in the literature in individuals affected with KPNA7-related conditions.

NM_001145715.3(KPNA7):c.1268A>T (p.Asp423Val)

Gene: KPNA7 (karyopherin subunit alpha 7; minus strand). Cytogenetic location: 7q22.1.
Variant type: single nucleotide variant.
Coding change: c.1268A>T on transcript NM_001145715.3 (MANE Select); coding-DNA position 1268, A replaced by T.
Protein change: p.Asp423Val; replaces aspartic acid 423 with valine.
Molecular consequence: missense variant.
Genome position (GRCh38, 1-based): chr7:99,181,932, T>A on the plus strand (A>T on the coding strand, the complement: KPNA7 is on the minus strand). VCF-style: chr7-99181932-T-A. GRCh37 (hg19) VCF-style: chr7-98779555-T-A.
Other names: short protein forms D423V.
Identifiers: ClinVar variation 2139298 (VCV002139298.4), dbSNP rs1197750819, ClinGen allele CA368417900.
Genomic context (GRCh38, chr7:99,181,932, plus strand): 5'-GAACGGCTCACCTGGAGGATGCAAGAGATGACATCAAGGATGATGAGAACAATTTTAACA[T>A]CTGGGGCAGTGAGCAGATTCACCAGTGGCTCCAGGACCCCAGAGTGGACGAGCTGGATCA-3'
Protein context (NP_001139187.1, residues 413-433): EPLVNLLTAP[Asp423Val]VKIVLIILDV